The following is an entry in ClinVar:

NM_004817.4(TJP2):c.802G>T (p.Glu268Ter)

Gene: TJP2 (tight junction protein 2; plus strand). Cytogenetic location: 9q21.11.
Variant type: single nucleotide variant.
Coding change: c.802G>T on transcript NM_004817.4 (MANE Select); coding-DNA position 802, G replaced by T.
Protein change: p.Glu268Ter; replaces glutamic acid 268 with a stop codon.
Molecular consequence: nonsense.
Genome position (GRCh38, 1-based): chr9:69,221,346, G>T. VCF-style: chr9-69221346-G-T. GRCh37 (hg19) VCF-style: chr9-71836262-G-T.
Other names: c.733G>T, p.Glu245Ter (NM_001170414.2, NM_001369870.1, NM_001369871.1); c.814G>T, p.Glu272Ter (NM_001170415.1, NM_001369874.1, NM_001369875.1); c.895G>T, p.Glu299Ter (NM_001170416.2); c.802G>T, p.Glu268Ter (NM_001369872.1, NM_001369873.1, NM_201629.3); short protein forms E268*, E245*, E299*, E272*.
Identifiers: ClinVar variation 3728828 (VCV003728828.2).

ClinVar aggregate classification (germline): Pathogenic (1 of 4 stars; one submission).

gnomAD v4.1: 2 of 1,588,690 alleles (0.00013%); highest among the groups gnomAD compares: South Asian, 0.0023%; no homozygotes.

Submission:

Labcorp Genetics (formerly Invitae), Labcorp
Classification: Pathogenic. Last evaluated: 2025-01-11. Review status: criteria provided, single submitter. Criteria: Invitae Variant Classification Sherloc (09022015). Collection method: clinical testing. Allele origin: germline.
Comment: This sequence change creates a premature translational stop signal (p.Glu268*) in the TJP2 gene. It is expected to result in an absent or disrupted protein product. Loss-of-function variants in TJP2 are known to be pathogenic (PMID: 24614073, 25921221, 28039895). This variant is not present in population databases (gnomAD no frequency). This variant has not been reported in the literature in individuals affected with TJP2-related conditions. For these reasons, this variant has been classified as Pathogenic.

Literature cited by the submitters: PubMed 24614073; PubMed 25921221; PubMed 28039895.